The following is an entry in ClinVar:

NM_000642.3(AGL):c.2623A>C (p.Lys875Gln)

Gene: AGL (amylo-alpha-1,6-glucosidase and 4-alpha-glucanotransferase; plus strand). Cytogenetic location: 1p21.2.
Variant type: single nucleotide variant.
Coding change: c.2623A>C on transcript NM_000642.3 (MANE Select); coding-DNA position 2623, A replaced by C.
Protein change: p.Lys875Gln; replaces lysine 875 with glutamine.
Molecular consequence: missense variant.
Genome position (GRCh38, 1-based): chr1:99,884,645, A>C. VCF-style: chr1-99884645-A-C. GRCh37 (hg19) VCF-style: chr1-100350201-A-C.
Other names: c.2623A>C, p.Lys875Gln (NM_000028.3, NM_000643.3, NM_000644.3 and 2 more transcripts); c.2575A>C, p.Lys859Gln (NM_000646.3); c.2422A>C, p.Lys808Gln (NM_001425327.1); c.2419A>C, p.Lys807Gln (NM_001425328.1); c.2245A>C, p.Lys749Gln (NM_001425332.1); short protein forms K875Q, K859Q, K749Q, K807Q, K808Q.
Identifiers: ClinVar variation 2145625 (VCV002145625.1), dbSNP rs750932668, ClinGen allele CA966842.

ClinVar aggregate classification (germline): Uncertain significance (1 of 4 stars; one submission).

Conditions:
Glycogen storage disease type III (GSD3). Also called: Cori disease; FORBES DISEASE. Identifiers: Orphanet 366, MedGen C0017922, MONDO:0009291, OMIM 232400.

Allele frequency attached by ClinVar (database versions not stated): ExAC 0.00001.
gnomAD v4.1: 3 of 1,614,042 alleles (0.00019%); highest among the groups gnomAD compares: Admixed American, 0.005%; no homozygotes.

Submission:

Labcorp Genetics (formerly Invitae), Labcorp
Classification: Uncertain significance for Glycogen storage disease type III. Last evaluated: 2022-08-09. Review status: criteria provided, single submitter. Criteria: Invitae Variant Classification Sherloc (09022015). Collection method: clinical testing. Allele origin: germline.
Comment: This sequence change replaces lysine, which is basic and polar, with glutamine, which is neutral and polar, at codon 875 of the AGL protein (p.Lys875Gln). This variant is not present in population databases (gnomAD no frequency). This variant has not been reported in the literature in individuals affected with AGL-related conditions. Algorithms developed to predict the effect of missense changes on protein structure and function are either unavailable or do not agree on the potential impact of this missense change (SIFT: "Tolerated"; PolyPhen-2: "Possibly Damaging"; Align-GVGD: "Class C0"). In summary, the available evidence is currently insufficient to determine the role of this variant in disease. Therefore, it has been classified as a Variant of Uncertain Significance.